The following is an entry in ClinVar:

ClinVar aggregate classification (germline): Uncertain significance (1 of 4 stars; one submission).

Submission:

Women's Health and Genetics/Laboratory Corporation of America, LabCorp
Classification: Uncertain significance. Last evaluated: 2026-05-07. Review status: criteria provided, single submitter. Criteria: LabCorp Variant Classification Summary - May 2015. Collection method: clinical testing. Allele origin: germline.
Comment: Variant summary: The variant involves the duplication of exons 1-7 in the ATXN1 gene. A presumed nomenclature of c.(?_-942)_(-161+1_-160-1)dup has been designated for the purposes of this classification. The exact breakpoint at the 5' end of this variant is unknown, therefore this duplication may extend upstream of the annotated region of this gene. It is predicted to duplicate a segment including the initiation codon, therefore its impact on the encoded protein is unknown. The variant was absent in 21694 control chromosomes. The available data on variant occurrences in the general population are insufficient to allow any conclusion about variant significance. To our knowledge, no occurrence of c.(?_-942)_(-161+1_-160-1)dup in individuals affected with ATXN1-related conditions and no experimental evidence demonstrating its impact on protein function have been reported. ClinVar contains an entry for this variant (Variation ID: 59499). Based on the evidence outlined above, the variant was classified as uncertain significance.

NC_000006.11:g.(16328702_16486202)_(16761692_?)dup

Gene: ATXN1 (ataxin 1; minus strand). Cytogenetic location: 6p22.3.
Variant type: Duplication.
Identifiers: ClinVar variation 4853460 (VCV004853460.1).